The following is an entry in ClinVar:

NM_001382391.1(CSPP1):c.1497-2A>C

Gene: CSPP1 (centrosome and spindle pole associated protein 1; plus strand). Cytogenetic location: 8q13.2.
Variant type: single nucleotide variant.
Coding change: c.1497-2A>C on transcript NM_001382391.1 (MANE Select); the canonical splice acceptor site of the intron before coding-DNA position 1497, A replaced by C.
Molecular consequence: splice acceptor variant.
Genome position (GRCh38, 1-based): chr8:67,118,246, A>C. VCF-style: chr8-67118246-A-C. GRCh37 (hg19) VCF-style: chr8-68030481-A-C.
Other names: c.1455-2A>C (NM_001363132.2); c.1416-2A>C (NM_001363131.2); c.1374-2A>C (NM_001363133.2); c.1563-2A>C (NM_001364869.1); c.1482-2A>C (NM_024790.7, NM_001438331.1, NM_001438330.1); c.1383-2A>C (NM_001364870.1); c.951-2A>C (NM_001438332.1); c.600-2A>C (NM_001291339.2).
Identifiers: ClinVar variation 1464866 (VCV001464866.7), dbSNP rs766633448, ClinGen allele CA4770563.

ClinVar aggregate classification (germline): Likely pathogenic. Review status: criteria provided, multiple submitters, no conflicts (2 of 4 stars). 2 submissions from 2 submitters: Likely pathogenic (2). Last evaluated 2025-05-15.

Conditions:
CSPP1-related disorder. Also called: CSPP1-related condition.
Joubert syndrome 21 (JBTS21). Identifiers: MedGen C3810212, MONDO:0014288, OMIM 615636.

Allele frequency attached by ClinVar (database versions not stated): gnomAD 0.00001; gnomAD exomes 0.00001; TOPMed 0.00001; ExAC 0.00002.
gnomAD v4.1: 9 of 1,612,176 alleles (0.00056%); highest among the groups gnomAD compares: Non-Finnish European, 0.00076%; no homozygotes.

Submissions (2):

Labcorp Genetics (formerly Invitae), Labcorp
Classification: Likely pathogenic for Joubert syndrome 21. Last evaluated: 2025-05-15. Review status: criteria provided, single submitter. Criteria: Invitae Variant Classification Sherloc (09022015). Collection method: clinical testing. Allele origin: germline.
Comment: This sequence change affects an acceptor splice site in intron 11 of the CSPP1 gene. It is expected to disrupt RNA splicing. Variants that disrupt the donor or acceptor splice site typically lead to a loss of protein function (PMID: 16199547), and loss-of-function variants in CSPP1 are known to be pathogenic (PMID: 24360807, 24360808). This variant is present in population databases (rs766633448, gnomAD 0.002%). This variant has not been reported in the literature in individuals affected with CSPP1-related conditions. ClinVar contains an entry for this variant (Variation ID: 1464866). Algorithms developed to predict the effect of sequence changes on RNA splicing suggest that this variant may disrupt the consensus splice site. In summary, the currently available evidence indicates that the variant is pathogenic, but additional data are needed to prove that conclusively. Therefore, this variant has been classified as Likely Pathogenic.

Blueprint Genetics
Classification: Likely pathogenic for CSPP1-related disorders. Last evaluated: 2024-11-08. Review status: criteria provided, single submitter. Criteria: ACMG Guidelines, 2015. Collection method: clinical testing. Allele origin: germline. Affected: yes. Observed: 2 variant alleles.

Literature cited by the submitters: PubMed 16199547 (cited by Labcorp Genetics (formerly Invitae), Labcorp); PubMed 24360807 (cited by Labcorp Genetics (formerly Invitae), Labcorp); PubMed 24360808 (cited by Labcorp Genetics (formerly Invitae), Labcorp).